The following is an entry in ClinVar:

ClinVar aggregate classification (germline): Uncertain significance. Review status: criteria provided, multiple submitters, no conflicts (2 of 4 stars). 4 submissions from 4 submitters: Uncertain significance (2). 2 of the submissions do not count toward it. Last evaluated 2021-12-21.

Conditions:
Autosomal recessive nonsyndromic hearing loss 2. Also called: NEUROSENSORY NONSYNDROMIC RECESSIVE DEAFNESS 2; DEAFNESS, AUTOSOMAL RECESSIVE 2. Identifiers: Orphanet 90636, MedGen C1838701, MONDO:0010807, OMIM 600060.
Usher syndrome type 1 (USH1). Also called: RETINITIS PIGMENTOSA AND CONGENITAL DEAFNESS. Identifiers: Orphanet 231169, Orphanet 886, MedGen C1568247, MONDO:0010168, OMIM 276900.
Usher syndrome type 1B (USH1B). Also called: Usher syndrome type IB. Identifiers: MedGen C1848638, MONDO:0700087.

Allele frequency attached by ClinVar (database versions not stated): gnomAD exomes 0.00001.

Submissions (4):

Blueprint Genetics
Classification: Uncertain significance. Last evaluated: 2021-12-21. Review status: criteria provided, single submitter. Criteria: ACMG Guidelines, 2015. Collection method: clinical testing. Allele origin: germline.

Labcorp Genetics (formerly Invitae), Labcorp
Classification: Uncertain significance. Last evaluated: 2021-09-24. Review status: criteria provided, single submitter. Criteria: Invitae Variant Classification Sherloc (09022015). Collection method: clinical testing. Allele origin: germline.
Comment: This variant, c.4837_4839dup, results in the insertion of 1 amino acid(s) to the MYO7A protein (p.Asp1613dup), but otherwise preserves the integrity of the reading frame. This variant is not present in population databases (ExAC no frequency). This variant has not been reported in the literature in individuals with MYO7A-related conditions. ClinVar contains an entry for this variant (Variation ID: 550205). Experimental studies and prediction algorithms are not available or were not evaluated, and the functional significance of this variant is currently unknown. In summary, the available evidence is currently insufficient to determine the role of this variant in disease. Therefore, it has been classified as a Variant of Uncertain Significance.

Natera, Inc.
Classification: Uncertain significance for Usher syndrome type 1B. Last evaluated: 2025-03-10. Review status: no assertion criteria provided. Collection method: clinical testing. Allele origin: germline. Not counted in ClinVar's aggregate classification.

Counsyl
Classification: Uncertain significance for Usher syndrome type 1; Autosomal recessive nonsyndromic hearing loss 2. Last evaluated: 2017-01-03. Review status: no assertion criteria provided. Collection method: clinical testing. Allele origin: unknown. Not counted in ClinVar's aggregate classification.

NM_000260.4(MYO7A):c.4837_4839dup (p.Asp1613dup)

Gene: MYO7A (myosin VIIA; plus strand). Cytogenetic location: 11q13.5.
Variant type: Duplication.
Coding change: c.4837_4839dup on transcript NM_000260.4 (MANE Select); coding-DNA positions 4837 to 4839, 3 bases duplicated (GAT; older notation c.4837_4839dupGAT).
Protein change: p.Asp1613dup; duplicates aspartic acid 1613.
Molecular consequence: inframe insertion.
Genome position (GRCh38, 1-based): chr11:77,199,803-77,199,805, GAT duplicated. VCF-style (leftmost placement, unchanged base first): chr11-77199802-G-GGAT. GRCh37 (hg19) VCF-style: chr11-76910847-G-GGAT.
Other names: c.4723_4725dup, p.Asp1575dup (NM_001127180.2); c.4690_4692dup, p.Asp1564dup (NM_001369365.1); c.4837_4839dup (NM_000260.3); c.4837_4839dupGAT (NM_000260.3).
Identifiers: ClinVar variation 550205 (VCV000550205.9), dbSNP rs1555100610, ClinGen allele CA658822321.